The following is an entry in ClinVar:

ClinVar aggregate classification (germline): Likely benign. Review status: criteria provided, multiple submitters, no conflicts (2 of 4 stars). 3 submissions from 3 submitters: Likely benign (2). 1 of the submissions does not count toward it. Last evaluated 2024-09-10.

Conditions:
KDM6B-related disorder. Also called: KDM6B-related condition.

Allele frequency attached by ClinVar (database versions not stated): gnomAD exomes 0.00010; gnomAD 0.00011; ExAC 0.00017; TOPMed 0.00017; ESP Exome Variant Server 0.00046.
gnomAD v4.1: 164 of 1,613,946 alleles (0.01%); highest among the groups gnomAD compares: Non-Finnish European, 0.013%; no homozygotes.

Submissions (3):

Blueprint Genetics
Classification: Likely benign. Last evaluated: 2024-09-10. Review status: criteria provided, single submitter. Criteria: ACMG Guidelines, 2015. Collection method: clinical testing. Allele origin: germline.

CeGaT Center for Human Genetics Tuebingen
Classification: Likely benign. Last evaluated: 2023-09-01. Review status: criteria provided, single submitter. Criteria: CeGaT Center For Human Genetics Tuebingen Variant Classification Criteria Version 2. Collection method: clinical testing. Allele origin: germline. Affected: yes. Observed: 1 variant allele.
Comment: KDM6B: BP4, BP7

PreventionGenetics, part of Exact Sciences
Classification: Likely benign for KDM6B-related condition. Last evaluated: 2021-12-18. Review status: no assertion criteria provided. Collection method: clinical testing. Allele origin: germline. Not counted in ClinVar's aggregate classification.
Comment: This variant is classified as likely benign based on ACMG/AMP sequence variant interpretation guidelines (Richards et al. 2015 PMID: 25741868, with internal and published modifications).

NM_001348716.2(KDM6B):c.4572G>A (p.Thr1524=)

Genes: KDM6B (lysine demethylase 6B; plus strand), LOC121587574 (Sharpr-MPRA regulatory region 3930; plus strand). Cytogenetic location: 17p13.1.
Variant type: single nucleotide variant.
Coding change: c.4572G>A on transcript NM_001348716.2 (MANE Select); coding-DNA position 4572, G replaced by A.
Protein change: p.Thr1524=; no amino-acid change (threonine 1524 retained).
Molecular consequence: synonymous variant.
Genome position (GRCh38, 1-based): chr17:7,852,598, G>A. VCF-style: chr17-7852598-G-A. GRCh37 (hg19) VCF-style: chr17-7755916-G-A.
Other names: c.4572G>A, p.Thr1524= (NM_001080424.2); c.4572G>A (NM_001080424.1).
Identifiers: ClinVar variation 2647415 (VCV002647415.26), dbSNP rs147988687, ClinGen allele CA8361496.
Genomic context (GRCh38, chr17:7,852,598, plus strand): 5'-GGTGAAGAACGTCAAATCCATCGTGCCCATGATTCACGTGTCATGGAACGTGGCTCGCAC[G>A]GTCAAAATCAGCGACCCCGACTTGTTCAAGATGATCAAGTGAGGACCCTATTTGGGTGGG-3'
Protein context (NP_001335645.1, residues 1514-1534): MIHVSWNVAR[Thr1524=]VKISDPDLFK